The following is an entry in ClinVar:

NM_000274.4(OAT):c.824G>A (p.Trp275Ter)

Gene: OAT (ornithine aminotransferase; minus strand). Cytogenetic location: 10q26.13.
Variant type: single nucleotide variant.
Coding change: c.824G>A on transcript NM_000274.4 (MANE Select); coding-DNA position 824, G replaced by A.
Protein change: p.Trp275Ter; replaces tryptophan 275 with a stop codon.
Molecular consequence: nonsense.
Genome position (GRCh38, 1-based): chr10:124,403,003, C>T on the plus strand (G>A on the coding strand, the complement: OAT is on the minus strand). VCF-style: chr10-124403003-C-T. GRCh37 (hg19) VCF-style: chr10-126091572-C-T.
Other names: c.410G>A, p.Trp137Ter (NM_001171814.2); c.824G>A, p.Trp275Ter (NM_001322965.2, NM_001322966.2, NM_001322967.2 and 3 more transcripts); c.503G>A, p.Trp168Ter (NM_001322971.2); c.224G>A, p.Trp75Ter (NM_001322974.2); short protein forms W275*, W137*, W75*, W168*.
Identifiers: ClinVar variation 180 (VCV000000180.13), dbSNP rs267606924, ClinGen allele CA114010.

ClinVar aggregate classification (germline): Pathogenic/Likely pathogenic. Review status: criteria provided, multiple submitters, no conflicts (2 of 4 stars). 6 submissions from 6 submitters: Pathogenic (2); Likely pathogenic (3). 1 of the submissions does not count toward it. Last evaluated 2024-05-27.

Conditions:
Ornithine aminotransferase deficiency (GACR). Also called: OAT DEFICIENCY; HYPERORNITHINEMIA WITH GYRATE ATROPHY OF CHOROID AND RETINA; Ornithine ketoacid aminotransferase deficiency; Gyrate atrophy; Gyrate atrophy of choroid and retina; Girate atrophy of the retina. Identifiers: Orphanet 414, MedGen C0018425, MONDO:0009796, OMIM 258870.

Allele frequency attached by ClinVar (database versions not stated): gnomAD exomes below 0.00001.

Submissions (6):

Natera, Inc.
Classification: Likely pathogenic for Gyrate atrophy. Last evaluated: 2024-05-27. Review status: criteria provided, single submitter. Criteria: Natera Variant Classification Schema (03/2026). Collection method: clinical testing. Allele origin: germline.
Comment: The c.824G>A variant in OAT is a nonsense variant predicted to introduce a stop codon at amino acid 275. This variant is expected to result in nonsense mediated decay, truncation, or a dysfunctional protein product. This variant is rare in the general population with a frequency below the threshold expected for the associated phenotype(s). Given the available evidence, this variant is classified as Likely Pathogenic.

Myriad Genetics, Inc.
Classification: Pathogenic for Ornithine aminotransferase deficiency. Last evaluated: 2024-05-14. Review status: criteria provided, single submitter. Criteria: Myriad Autosomal Dominant, Autosomal Recessive and X-Linked Classification Criteria (2023). Collection method: clinical testing. Allele origin: unknown.
Comment: NM_000274.3(OAT):c.824G>A(W275*) is expected to be pathogenic in the context of ornithine aminotransferase deficiency. This variant is predicted to lead to an abnormal or absent protein product due to the creation of a premature termination codon in OAT, a gene where loss-of-function variants are known to be pathogenic. Please note: this variant was assessed in the context of healthy population screening.

Labcorp Genetics (formerly Invitae), Labcorp
Classification: Pathogenic for Ornithine aminotransferase deficiency. Last evaluated: 2023-09-21. Review status: criteria provided, single submitter. Criteria: Invitae Variant Classification Sherloc (09022015). Collection method: clinical testing. Allele origin: germline.
Comment: This sequence change creates a premature translational stop signal (p.Trp275*) in the OAT gene. It is expected to result in an absent or disrupted protein product. Loss-of-function variants in OAT are known to be pathogenic (PMID: 1737786, 23076989). This variant is present in population databases (rs267606924, gnomAD 0.0009%). This variant has not been reported in the literature in individuals affected with OAT-related conditions. ClinVar contains an entry for this variant (Variation ID: 180). For these reasons, this variant has been classified as Pathogenic.

Baylor Genetics
Classification: Likely pathogenic for Ornithine aminotransferase deficiency. Last evaluated: 2023-04-06. Review status: criteria provided, single submitter. Criteria: ACMG Guidelines, 2015. Collection method: clinical testing. Allele origin: unknown.

Fulgent Genetics
Classification: Likely pathogenic for Ornithine aminotransferase deficiency. Last evaluated: 2022-03-31. Review status: criteria provided, single submitter. Criteria: ACMG Guidelines, 2015. Collection method: clinical testing. Allele origin: unknown.

OMIM
Classification: Pathogenic for GYRATE ATROPHY OF CHOROID AND RETINA. Last evaluated: 1993-01-29. Review status: no assertion criteria provided. Collection method: literature only. Allele origin: germline. Not counted in ClinVar's aggregate classification.

Literature cited by the submitters: PubMed 1737786 (cited by Labcorp Genetics (formerly Invitae), Labcorp); PubMed 23076989 (cited by Labcorp Genetics (formerly Invitae), Labcorp); PubMed 8430317 (cited by OMIM).